The following is an entry in ClinVar:

ClinVar aggregate classification (germline): Conflicting classifications of pathogenicity. Review status: criteria provided, conflicting classifications (1 of 4 stars). 4 submissions from 4 submitters: Uncertain significance (1); Likely benign (3). Last evaluated 2025-05-12.

Conditions:
Cardiovascular phenotype. Identifiers: MedGen CN230736.
Autosomal recessive limb-girdle muscular dystrophy type 2J (LGMDR10). Also called: MUSCULAR DYSTROPHY, LIMB-GIRDLE, AUTOSOMAL RECESSIVE 10; Limb-girdle muscular dystrophy, type 2J. Identifiers: Orphanet 140922, MedGen C1837342, MONDO:0012127, OMIM 608807.
Dilated cardiomyopathy 1G (CMD1G). Identifiers: Orphanet 154, MedGen C1858763, MONDO:0011400, OMIM 604145.

Allele frequency attached by ClinVar (database versions not stated): gnomAD 0.00001.

Submissions (4):

Labcorp Genetics (formerly Invitae), Labcorp
Classification: Likely benign for Dilated cardiomyopathy 1G; Autosomal recessive limb-girdle muscular dystrophy type 2J. Last evaluated: 2025-05-12. Review status: criteria provided, single submitter. Criteria: Invitae Variant Classification Sherloc (09022015). Collection method: clinical testing. Allele origin: germline.

Ambry Genetics
Classification: Likely benign for Cardiovascular phenotype. Last evaluated: 2019-11-20. Review status: criteria provided, single submitter. Criteria: Ambry Variant Classification Scheme 2023. Collection method: clinical testing. Allele origin: germline.

GeneDx
Classification: Likely benign. Last evaluated: 2018-01-31. Review status: criteria provided, single submitter. Criteria: GeneDx Variant Classification (06012015). Collection method: clinical testing. Allele origin: germline. Affected: yes.
Comment: This variant is considered likely benign or benign based on one or more of the following criteria: it is a conservative change, it occurs at a poorly conserved position in the protein, it is predicted to be benign by multiple in silico algorithms, and/or has population frequency not consistent with disease.

Eurofins Ntd Llc (ga)
Classification: Uncertain significance. Last evaluated: 2017-08-17. Review status: criteria provided, single submitter. Criteria: EGL Classification Definitions 2015. Collection method: clinical testing. Allele origin: germline. Observed: 1 variant allele, 1 heterozygote.

NM_001267550.2(TTN):c.52920C>T (p.Tyr17640=)

Genes: TTN-AS1 (TTN antisense RNA 1; plus strand), TTN (titin; minus strand), LOC126806425 (BRD4-independent group 4 enhancer GRCh37_chr2:179471933-179473132; plus strand). Cytogenetic location: 2q31.2.
Variant type: single nucleotide variant.
Coding change: c.52920C>T on transcript NM_001267550.2 (MANE Select); coding-DNA position 52920, C replaced by T.
Protein change: p.Tyr17640=; no amino-acid change (tyrosine 17640 retained).
Molecular consequence: synonymous variant.
Genome position (GRCh38, 1-based): chr2:178,607,867, G>A on the plus strand (C>T on the coding strand, the complement: TTN is on the minus strand). VCF-style: chr2-178607867-G-A. GRCh37 (hg19) VCF-style: chr2-179472594-G-A.
Other names: c.47997C>T, p.Tyr15999= (NM_001256850.1); c.25725C>T, p.Tyr8575= (NM_003319.4); c.45216C>T, p.Tyr15072= (NM_133378.4); c.26100C>T, p.Tyr8700= (NM_133432.3); c.26301C>T, p.Tyr8767= (NM_133437.4).
Identifiers: ClinVar variation 515284 (VCV000515284.12), dbSNP rs1553687219, ClinGen allele CA430271034.
Genomic context (GRCh38, chr2:178,607,867, plus strand): 5'-AGGTTGTGTTTCTCCAGGCGGTCCTTCCCCTGCGGCATTGACAGCACTCACCCGAAGTTT[G>A]TAATCAGCACCCTCTCGGATTTCTTTGACGGTGTACTGACGGACCTTGATCATCTTCTCT-3'
Protein context (NP_001254479.2, residues 17630-17650): TVKEIREGAD[Tyr17640=]KLRVSAVNAA